The following is an entry in ClinVar:

ClinVar aggregate classification (germline): Uncertain significance. Review status: criteria provided, multiple submitters, no conflicts (2 of 4 stars). 3 submissions from 3 submitters: Uncertain significance (3). Last evaluated 2025-01-27.

Conditions:
Charcot-Marie-Tooth disease axonal type 2S. Also called: CHARCOT-MARIE-TOOTH DISEASE, AXONAL, AUTOSOMAL RECESSIVE, TYPE 2S; CHARCOT-MARIE-TOOTH NEUROPATHY, TYPE 2S. Identifiers: Orphanet 443073, MedGen C4015349, MONDO:0014511, OMIM 616155.
Autosomal recessive distal spinal muscular atrophy 1. Also called: NEURONOPATHY, DISTAL HEREDITARY MOTOR, HARDING TYPE VI; NEUROPATHY, DISTAL HEREDITARY MOTOR, AUTOSOMAL RECESSIVE 1; NEURONOPATHY, SEVERE INFANTILE AXONAL, WITH RESPIRATORY FAILURE; SEVERE INFANTILE AXONAL NEUROPATHY WITH RESPIRATORY FAILURE; SPINAL MUSCULAR ATROPHY, DIAPHRAGMATIC; Spinal muscular atrophy with respiratory distress 1. Identifiers: Orphanet 98920, MedGen C1858517, MONDO:0011436, OMIM 604320.
Inborn genetic diseases. Identifiers: MedGen C0950123, MeSH D030342.

Allele frequency attached by ClinVar (database versions not stated): TOPMed below 0.00001; gnomAD 0.00001.
gnomAD v4.1: 1 of 1,613,790 alleles (0.000062%); highest among the groups gnomAD compares: Admixed American, 0.0017%; no homozygotes.

Submissions (3):

Ambry Genetics
Classification: Uncertain significance for Inborn genetic diseases. Last evaluated: 2025-01-27. Review status: criteria provided, single submitter. Criteria: Ambry Variant Classification Scheme 2023. Collection method: clinical testing. Allele origin: germline.

Labcorp Genetics (formerly Invitae), Labcorp
Classification: Uncertain significance for Autosomal recessive distal spinal muscular atrophy 1; Charcot-Marie-Tooth disease axonal type 2S. Last evaluated: 2021-08-26. Review status: criteria provided, single submitter. Criteria: Invitae Variant Classification Sherloc (09022015). Collection method: clinical testing. Allele origin: germline.
Comment: This sequence change replaces lysine with asparagine at codon 665 of the IGHMBP2 protein (p.Lys665Asn). The lysine residue is weakly conserved and there is a moderate physicochemical difference between lysine and asparagine. This variant is not present in population databases (ExAC no frequency). This variant has not been reported in the literature in individuals affected with IGHMBP2-related conditions. Advanced modeling of protein sequence and biophysical properties (such as structural, functional, and spatial information, amino acid conservation, physicochemical variation, residue mobility, and thermodynamic stability) performed at Invitae indicates that this missense variant is not expected to disrupt IGHMBP2 protein function. In summary, the available evidence is currently insufficient to determine the role of this variant in disease. Therefore, it has been classified as a Variant of Uncertain Significance.

Revvity Omics, Revvity
Classification: Uncertain significance. Last evaluated: 2019-08-28. Review status: criteria provided, single submitter. Criteria: ACMG Guidelines, 2015. Collection method: clinical testing. Allele origin: germline.

NM_002180.3(IGHMBP2):c.1995G>C (p.Lys665Asn)

Gene: IGHMBP2 (immunoglobulin mu DNA binding protein 2; plus strand). Cytogenetic location: 11q13.3.
Variant type: single nucleotide variant.
Coding change: c.1995G>C on transcript NM_002180.3 (MANE Select); coding-DNA position 1995, G replaced by C.
Protein change: p.Lys665Asn; replaces lysine 665 with asparagine.
Molecular consequence: missense variant.
Genome position (GRCh38, 1-based): chr11:68,936,475, G>C. VCF-style: chr11-68936475-G-C. GRCh37 (hg19) VCF-style: chr11-68703943-G-C.
Other names: c.1995G>C (NM_002180.2); short protein forms K665N.
Identifiers: ClinVar variation 1047073 (VCV001047073.9), dbSNP rs1317117261, ClinGen allele CA381652591.